The following is an entry in ClinVar:

NM_001457.4(FLNB):c.4814G>A (p.Arg1605His)

Gene: FLNB (filamin B; plus strand). Cytogenetic location: 3p14.3.
Variant type: single nucleotide variant.
Coding change: c.4814G>A on transcript NM_001457.4 (MANE Select); coding-DNA position 4814, G replaced by A.
Protein change: p.Arg1605His; replaces arginine 1605 with histidine.
Molecular consequence: missense variant.
Genome position (GRCh38, 1-based): chr3:58,136,121, G>A. VCF-style: chr3-58136121-G-A. GRCh37 (hg19) VCF-style: chr3-58121848-G-A.
Other names: c.4907G>A, p.Arg1636His (NM_001164317.2); c.4814G>A, p.Arg1605His (NM_001164318.2, NM_001164319.2); short protein forms R1605H, R1636H.
Identifiers: ClinVar variation 1128487 (VCV001128487.13), dbSNP rs201630300, ClinGen allele CA2468868.

ClinVar aggregate classification (germline): Conflicting classifications of pathogenicity. Review status: criteria provided, conflicting classifications (1 of 4 stars). 4 submissions from 4 submitters: Uncertain significance (2); Likely benign (2). Last evaluated 2026-07-01.

Allele frequency attached by ClinVar (database versions not stated): TOPMed 0.00011; gnomAD exomes 0.00015 and 0.00007; ExAC 0.00017; 1000 Genomes Project 30x 0.00062; 1000 Genomes Project 0.00080.

Submissions (4):

CeGaT Center for Human Genetics Tuebingen
Classification: Likely benign. Last evaluated: 2026-07-01. Review status: criteria provided, single submitter. Criteria: CeGaT Center For Human Genetics Tuebingen Variant Classification Criteria Version 2. Collection method: clinical testing. Allele origin: germline. Affected: yes. Observed: 1 variant allele.
Comment: FLNB: BS2

Labcorp Genetics (formerly Invitae), Labcorp
Classification: Likely benign. Last evaluated: 2025-09-11. Review status: criteria provided, single submitter. Criteria: Invitae Variant Classification Sherloc (09022015). Collection method: clinical testing. Allele origin: germline.

GeneDx
Classification: Uncertain significance. Last evaluated: 2024-12-07. Review status: criteria provided, single submitter. Criteria: GeneDx Variant Classification Process June 2021. Collection method: clinical testing. Allele origin: germline. Affected: yes.
Comment: In silico analysis supports that this missense variant has a deleterious effect on protein structure/function; This variant is associated with the following publications: (PMID: 32381728, 37800821)

Blueprint Genetics
Classification: Uncertain significance. Last evaluated: 2024-06-26. Review status: criteria provided, single submitter. Criteria: ACMG Guidelines, 2015. Collection method: clinical testing. Allele origin: germline.